The following is an entry in ClinVar:

ClinVar aggregate classification (germline): Likely benign. Review status: criteria provided, multiple submitters, no conflicts (2 of 4 stars). 4 submissions from 4 submitters: Likely benign (4). Last evaluated 2025-12-03.

Conditions:
Autosomal dominant spastic paraplegia type 9. Identifiers: MedGen C1832669, MONDO:0015091.
Cutis laxa, autosomal dominant 3 (ADCL3). Identifiers: Orphanet 90348, MedGen C4225268, MONDO:0014706, OMIM 616603.
de Barsy syndrome. Also called: Cutis laxa-corneal clouding-oligophrenia syndrome. Identifiers: Orphanet 2962, MedGen C0268354, MONDO:0017569.

Allele frequency attached by ClinVar (database versions not stated): gnomAD below 0.00001 and 0.00003; TOPMed below 0.00001; gnomAD exomes 0.00012 and 0.00026; 1000 Genomes Project 30x 0.00016; 1000 Genomes Project 0.00020; ExAC 0.00032.
gnomAD v4.1: 185 of 1,613,660 alleles (0.011%); highest among the groups gnomAD compares: South Asian, 0.19%; 5 homozygotes.

Submissions (4):

Labcorp Genetics (formerly Invitae), Labcorp
Classification: Likely benign for Autosomal dominant spastic paraplegia type 9; de Barsy syndrome; Cutis laxa, autosomal dominant 3. Last evaluated: 2025-12-03. Review status: criteria provided, single submitter. Criteria: Invitae Variant Classification Sherloc (09022015). Collection method: clinical testing. Allele origin: germline.

Blueprint Genetics
Classification: Likely benign. Last evaluated: 2024-11-15. Review status: criteria provided, single submitter. Criteria: ACMG Guidelines, 2015. Collection method: clinical testing. Allele origin: germline.

CeGaT Center for Human Genetics Tuebingen
Classification: Likely benign. Last evaluated: 2023-05-01. Review status: criteria provided, single submitter. Criteria: CeGaT Center For Human Genetics Tuebingen Variant Classification Criteria Version 2. Collection method: clinical testing. Allele origin: germline. Affected: yes. Observed: 1 variant allele.
Comment: ALDH18A1: BP4, BS2

GeneDx
Classification: Likely benign. Last evaluated: 2020-08-10. Review status: criteria provided, single submitter. Criteria: GeneDx Variant Classification Process June 2021. Collection method: clinical testing. Allele origin: germline. Affected: yes.

NM_002860.4(ALDH18A1):c.2111-7C>A

Gene: ALDH18A1 (aldehyde dehydrogenase 18 family member A1; minus strand). Cytogenetic location: 10q24.1.
Variant type: single nucleotide variant.
Coding change: c.2111-7C>A on transcript NM_002860.4 (MANE Select); 7 bases into the intron before coding-DNA position 2111, C replaced by A.
Molecular consequence: intron variant.
Genome position (GRCh38, 1-based): chr10:95,610,299, G>T on the plus strand (C>A on the coding strand, the complement: ALDH18A1 is on the minus strand). VCF-style: chr10-95610299-G-T. GRCh37 (hg19) VCF-style: chr10-97370056-G-T.
Other names: c.1475-7C>A (NM_001323419.2); c.1778-7C>A (NM_001323412.2, NM_001323416.2); c.2006-7C>A (NM_001323417.2); c.2105-7C>A (NM_001017423.2, NM_001323415.2); c.1772-7C>A (NM_001323418.2); c.2111-7C>A (NM_001323413.2, NM_001323414.2).
Identifiers: ClinVar variation 513428 (VCV000513428.38), dbSNP rs542177817, ClinGen allele CA5620134.
Genomic context (GRCh38, chr10:95,610,299, plus strand): 5'-TCCAGAACACACAGGCACTGTCTACGTGCTGCAGGAAGAACTCCGCTGTGTTTTCTGCAG[G>T]GTGAAGAAGGAGAAACCAAGTTAGGATGATACCCAGAGAACATCCCTGTTTCCAGCCATT-3'